The following is an entry in ClinVar:

NM_022455.5(NSD1):c.3902T>C (p.Val1301Ala)

Gene: NSD1 (nuclear receptor binding SET domain protein 1; plus strand). Cytogenetic location: 5q35.3.
Variant type: single nucleotide variant.
Coding change: c.3902T>C on transcript NM_022455.5 (MANE Select); coding-DNA position 3902, T replaced by C.
Protein change: p.Val1301Ala; replaces valine 1301 with alanine.
Molecular consequence: missense variant.
Genome position (GRCh38, 1-based): chr5:177,235,926, T>C. VCF-style: chr5-177235926-T-C. GRCh37 (hg19) VCF-style: chr5-176662927-T-C.
Other names: c.3029T>C, p.Val1010Ala (NM_001365684.2, NM_001409306.1, NM_001409307.1 and 3 more transcripts); c.3902T>C, p.Val1301Ala (NM_001409301.1, NM_001409302.1, NM_001409303.1); c.3482T>C, p.Val1161Ala (NM_001409304.1); c.3149T>C, p.Val1050Ala (NM_001409305.1); short protein forms V1010A, V1050A, V1161A, V1301A.
Identifiers: ClinVar variation 3605463 (VCV003605463.2).
Genomic context (GRCh38, chr5:177,235,926, plus strand): 5'-TTTTGGAATATACAGAAGAATATGATCAGATATTTGCTCCTAAGAAAAAACAAAAGAAGG[T>C]ACAGGAGCAGGTGCACAAGGTATGTTGCAAAATTTCAGCAAACTTTCACTGGTCCTTAGG-3'
Protein context (NP_071900.2, residues 1291-1311): IFAPKKKQKK[Val1301Ala]QEQVHKVSSR

ClinVar aggregate classification (germline): Uncertain significance (1 of 4 stars; one submission).

gnomAD v4.1: 4 of 1,613,782 alleles (0.00025%); highest among the groups gnomAD compares: Non-Finnish European, 0.00034%; no homozygotes.

Submission:

Labcorp Genetics (formerly Invitae), Labcorp
Classification: Uncertain significance. Last evaluated: 2023-10-18. Review status: criteria provided, single submitter. Criteria: Invitae Variant Classification Sherloc (09022015). Collection method: clinical testing. Allele origin: germline.
Comment: This sequence change replaces valine, which is neutral and non-polar, with alanine, which is neutral and non-polar, at codon 1301 of the NSD1 protein (p.Val1301Ala). This variant is not present in population databases (gnomAD no frequency). This variant has not been reported in the literature in individuals affected with NSD1-related conditions. Advanced modeling of protein sequence and biophysical properties (such as structural, functional, and spatial information, amino acid conservation, physicochemical variation, residue mobility, and thermodynamic stability) performed at Invitae indicates that this missense variant is not expected to disrupt NSD1 protein function. In summary, the available evidence is currently insufficient to determine the role of this variant in disease. Therefore, it has been classified as a Variant of Uncertain Significance.